The following is an entry in ClinVar:

NM_002025.4(AFF2):c.629A>G (p.Glu210Gly)

Gene: AFF2 (ALF transcription elongation factor 2; plus strand). Cytogenetic location: Xq28.
Variant type: single nucleotide variant.
Coding change: c.629A>G on transcript NM_002025.4 (MANE Select); coding-DNA position 629, A replaced by G.
Protein change: p.Glu210Gly; replaces glutamic acid 210 with glycine.
Molecular consequence: missense variant.
Genome position (GRCh38, 1-based): chrX:148,662,356, A>G. VCF-style: chrX-148662356-A-G. GRCh37 (hg19) VCF-style: chrX-147743877-A-G.
Other names: c.617A>G, p.Glu206Gly (NM_001169122.2, NM_001169123.2, NM_001169125.2); c.629A>G, p.Glu210Gly (NM_001169124.2); short protein forms E210G, E206G.
Identifiers: ClinVar variation 4983913 (VCV004983913.1).
Genomic context (GRCh38, chrX:148,662,356, plus strand): 5'-AAGCCAAACTGGAAGACTTCTTTGTCTACCCAGCTGAACAGCCCCAGATTGGAGAAGTTG[A>G]AGAGTCAAACCCATCTGCAAAGGAAGACAGTAACCCTAATTCTAGTGGAGAAGATGCTTT-3'
Protein context (NP_002016.2, residues 200-220): PAEQPQIGEV[Glu210Gly]ESNPSAKEDS

ClinVar aggregate classification (germline): Uncertain significance (1 of 4 stars; one submission).

Conditions:
AFF2-related disorder. Also called: AFF2-related condition.

Submission:

PreventionGenetics, part of Exact Sciences
Classification: Uncertain significance for AFF2-related condition. Last evaluated: 2026-03-17. Review status: criteria provided, single submitter. Criteria: ACMG Guidelines, 2015. Collection method: clinical testing. Allele origin: germline.
Comment: The AFF2 c.629A>G variant is predicted to result in the amino acid substitution p.Glu210Gly. To our knowledge, this variant has not been reported in the literature. This variant is reported in 0.0036% of alleles in individuals of Latino descent in gnomAD. At this time, the clinical significance of this variant is uncertain due to the absence of conclusive functional and genetic evidence.